The following is an entry in ClinVar:

NM_138713.4(NFAT5):c.3322G>A (p.Gly1108Ser)

Gene: NFAT5 (nuclear factor of activated T cells 5; plus strand). Cytogenetic location: 16q22.1.
Variant type: single nucleotide variant.
Coding change: c.3322G>A on transcript NM_138713.4 (MANE Select); coding-DNA position 3322, G replaced by A.
Protein change: p.Gly1108Ser; replaces glycine 1108 with serine.
Molecular consequence: missense variant.
Genome position (GRCh38, 1-based): chr16:69,693,147, G>A. VCF-style: chr16-69693147-G-A. GRCh37 (hg19) VCF-style: chr16-69727050-G-A.
Other names: c.3319G>A, p.Gly1107Ser (NM_001113178.3); c.2647G>A, p.Gly883Ser (NM_001367709.1); c.3268G>A, p.Gly1090Ser (NM_006599.4); c.3040G>A, p.Gly1014Ser (NM_138714.4, NM_173214.3, NM_173215.3); short protein forms G1014S, G1107S, G883S, G1090S, G1108S.
Identifiers: ClinVar variation 3723965 (VCV003723965.2).

ClinVar aggregate classification (germline): Uncertain significance (1 of 4 stars; one submission).

Conditions:
Immunodeficiency. Identifiers: MedGen C0021051, MONDO:0021094, HP:0002721.

gnomAD v4.1: 1 of 1,614,100 alleles (0.000062%); highest among the groups gnomAD compares: Non-Finnish European, 0.000085%; no homozygotes.

Submission:

Labcorp Genetics (formerly Invitae), Labcorp
Classification: Uncertain significance for Immunodeficiency. Last evaluated: 2024-11-04. Review status: criteria provided, single submitter. Criteria: Invitae Variant Classification Sherloc (09022015). Collection method: clinical testing. Allele origin: germline.
Comment: This sequence change replaces glycine, which is neutral and non-polar, with serine, which is neutral and polar, at codon 1014 of the NFAT5 protein (p.Gly1014Ser). This variant is not present in population databases (gnomAD no frequency). This variant has not been reported in the literature in individuals affected with NFAT5-related conditions. An algorithm developed to predict the effect of missense changes on protein structure and function outputs the following: PolyPhen-2: "Benign". The serine amino acid residue is found in multiple mammalian species, which suggests that this missense change does not adversely affect protein function. In summary, the available evidence is currently insufficient to determine the role of this variant in disease. Therefore, it has been classified as a Variant of Uncertain Significance.